The following is an entry in ClinVar:

NM_002519.3(NPAT):c.473C>T (p.Thr158Ile)

Gene: NPAT (nuclear protein, coactivator of histone transcription; minus strand). Cytogenetic location: 11q22.3.
Variant type: single nucleotide variant.
Coding change: c.473C>T on transcript NM_002519.3 (MANE Select); coding-DNA position 473, C replaced by T.
Protein change: p.Thr158Ile; replaces threonine 158 with isoleucine.
Molecular consequence: missense variant.
Genome position (GRCh38, 1-based): chr11:108,189,189, G>A on the plus strand (C>T on the coding strand, the complement: NPAT is on the minus strand). VCF-style: chr11-108189189-G-A. GRCh37 (hg19) VCF-style: chr11-108059916-G-A.
Other names: c.473C>T (NM_002519.2); c.473C>T, p.Thr158Ile (NM_001321307.1); short protein forms T158I.
Identifiers: ClinVar variation 2895873 (VCV002895873.4), dbSNP rs1481266372, ClinGen allele CA382524534.

ClinVar aggregate classification (germline): Conflicting classifications of pathogenicity. Review status: criteria provided, conflicting classifications (1 of 4 stars). 2 submissions from 2 submitters: Uncertain significance (1); Likely benign (1). Last evaluated 2025-06-30.

Allele frequency attached by ClinVar (database versions not stated): gnomAD exomes 0.00001; TOPMed below 0.00001.

Submissions (2):

Labcorp Genetics (formerly Invitae), Labcorp
Classification: Uncertain significance. Last evaluated: 2025-06-30. Review status: criteria provided, single submitter. Criteria: Invitae Variant Classification Sherloc (09022015). Collection method: clinical testing. Allele origin: germline.
Comment: This sequence change replaces threonine, which is neutral and polar, with isoleucine, which is neutral and non-polar, at codon 158 of the NPAT protein (p.Thr158Ile). This variant is present in population databases (no rsID available, gnomAD 0.0009%). This variant has not been reported in the literature in individuals affected with NPAT-related conditions. ClinVar contains an entry for this variant (Variation ID: 2895873). An algorithm developed to predict the effect of missense changes on protein structure and function outputs the following: PolyPhen-2: "Benign". The isoleucine amino acid residue is found in multiple mammalian species, which suggests that this missense change does not adversely affect protein function. In summary, the available evidence is currently insufficient to determine the role of this variant in disease. Therefore, it has been classified as a Variant of Uncertain Significance.

Ambry Genetics
Classification: Likely benign. Last evaluated: 2025-06-06. Review status: criteria provided, single submitter. Criteria: Ambry Variant Classification Scheme 2023. Collection method: clinical testing. Allele origin: germline.